The following is an entry in ClinVar:

ClinVar aggregate classification (germline): Likely benign (1 of 4 stars; one submission).

gnomAD v4.1: 75 of 1,613,636 alleles (0.0046%); highest among the groups gnomAD compares: Non-Finnish European, 0.006%; no homozygotes.

Submission:

CeGaT Center for Human Genetics Tuebingen
Classification: Likely benign. Last evaluated: 2026-09-01. Review status: criteria provided, single submitter. Criteria: CeGaT Center For Human Genetics Tuebingen Variant Classification Criteria Version 2. Collection method: clinical testing. Allele origin: germline. Affected: yes. Observed: 2 variant alleles.
Comment: ARFGEF1: BP4, BP7

NM_006421.5(ARFGEF1):c.3117T>C (p.Tyr1039=)

Gene: ARFGEF1 (ARF guanine nucleotide exchange factor 1; minus strand). Cytogenetic location: 8q13.2.
Variant type: single nucleotide variant.
Coding change: c.3117T>C on transcript NM_006421.5 (MANE Select); coding-DNA position 3117, T replaced by C.
Protein change: p.Tyr1039=; no amino-acid change (tyrosine 1039 retained).
Molecular consequence: synonymous variant. On other transcripts: non-coding transcript variant (1).
Genome position (GRCh38, 1-based): chr8:67,238,756, A>G on the plus strand (T>C on the coding strand, the complement: ARFGEF1 is on the minus strand). VCF-style: chr8-67238756-A-G. GRCh37 (hg19) VCF-style: chr8-68150991-A-G.
Other names: c.3117T>C, p.Tyr1039= (NM_001413195.1, NM_001413184.1, NM_001413185.1 and 6 more transcripts); c.1692T>C, p.Tyr564= (NM_001413196.1); c.2517T>C, p.Tyr839= (NM_001413197.1, NM_001413188.1, NM_001413193.1); c.3111T>C, p.Tyr1037= (NM_001413190.1).
Identifiers: ClinVar variation 3905536 (VCV003905536.10).